The following is an entry in ClinVar:

NM_001354604.2(MITF):c.766C>A (p.Pro256Thr)

Gene: MITF (melanocyte inducing transcription factor; plus strand). Cytogenetic location: 3p13.
Variant type: single nucleotide variant.
Coding change: c.766C>A on transcript NM_001354604.2 (MANE Select); coding-DNA position 766, C replaced by A.
Protein change: p.Pro256Thr; replaces proline 256 with threonine.
Molecular consequence: missense variant.
Genome position (GRCh38, 1-based): chr3:69,949,054, C>A. VCF-style: chr3-69949054-C-A. GRCh37 (hg19) VCF-style: chr3-69998205-C-A.
Other names: c.445C>A, p.Pro149Thr (NM_000248.4, NM_198158.3); c.610C>A, p.Pro204Thr (NM_001184967.2, NM_001354608.2); c.763C>A, p.Pro255Thr (NM_001354605.2, NM_001354606.2, NM_006722.3); c.715C>A, p.Pro239Thr (NM_001354607.2); c.766C>A, p.Pro256Thr (NM_198159.3); c.718C>A, p.Pro240Thr (NM_198177.3); c.277C>A, p.Pro93Thr (NM_198178.3); short protein forms P204T, P256T, P149T, P255T, P93T, P239T, P240T.
Identifiers: ClinVar variation 2115672 (VCV002115672.8), dbSNP rs980918814, ClinGen allele CA77001734.

ClinVar aggregate classification (germline): Uncertain significance. Review status: criteria provided, multiple submitters, no conflicts (2 of 4 stars). 3 submissions from 3 submitters: Uncertain significance (3). Last evaluated 2026-04-03.

Conditions:
Tietz syndrome (TADS). Also called: ALBINISM-DEAFNESS OF TIETZ; HYPOPIGMENTATION/DEAFNESS OF TIETZ; TIETZ ALBINISM-DEAFNESS SYNDROME. Identifiers: Orphanet 42665, MedGen C0391816, MONDO:0007077, OMIM 103500.
Waardenburg syndrome type 2A (WS2A). Also called: WAARDENBURG SYNDROME WITHOUT DYSTOPIA CANTHORUM. Identifiers: Orphanet 3440, MedGen C1860339, MONDO:0008671, OMIM 193510.
Melanoma, cutaneous malignant, susceptibility to, 8. Also called: MELANOMA AND RENAL CELL CARCINOMA, SUSCEPTIBILITY TO; Cutaneous malignant melanoma 8. Identifiers: Orphanet 293822, MedGen C3152204, MONDO:0013759, OMIM 614456.
Hereditary cancer-predisposing syndrome. Also called: Neoplastic Syndromes, Hereditary; Tumor predisposition; Hereditary neoplastic syndrome; Hereditary Cancer Syndrome. Identifiers: Orphanet 140162, MedGen C0027672, MeSH D009386, MONDO:0015356.

Allele frequency attached by ClinVar (database versions not stated): TOPMed 0.00002.
gnomAD v4.1: 1 of 1,611,834 alleles (0.000062%); no homozygotes.

Submissions (3):

Dasa
Classification: Uncertain significance. Last evaluated: 2026-04-03. Review status: criteria provided, single submitter. Criteria: DASA Assertion Criteria. Collection method: clinical testing. Allele origin: germline.
Comment: NM_001354604.2(MITF):c.766C>A (p.Pro256Thr) is a missense variant that results in the substitution of proline with threonine. This variant is rare in population databases. Computational prediction algorithms are consistent with a benign effect. The currently available literature and clinical evidence are not sufficient to establish a definitive association between this variant and the reported condition. Therefore, this variant is classified as a variant of uncertain significance.

Labcorp Genetics (formerly Invitae), Labcorp
Classification: Uncertain significance for Melanoma, cutaneous malignant, susceptibility to, 8; Waardenburg syndrome type 2A; Tietz syndrome. Last evaluated: 2025-08-20. Review status: criteria provided, single submitter. Criteria: Invitae Variant Classification Sherloc (09022015). Collection method: clinical testing. Allele origin: germline.
Comment: This sequence change replaces proline, which is neutral and non-polar, with threonine, which is neutral and polar, at codon 149 of the MITF protein (p.Pro149Thr). This variant is not present in population databases (gnomAD no frequency). This variant has not been reported in the literature in individuals affected with MITF-related conditions. ClinVar contains an entry for this variant (Variation ID: 2115672). Invitae Evidence Modeling of protein sequence and biophysical properties (such as structural, functional, and spatial information, amino acid conservation, physicochemical variation, residue mobility, and thermodynamic stability) has been performed for this missense variant. However, the output from this modeling did not meet the statistical confidence thresholds required to predict the impact of this variant on MITF protein function. In summary, the available evidence is currently insufficient to determine the role of this variant in disease. Therefore, it has been classified as a Variant of Uncertain Significance.

Ambry Genetics
Classification: Uncertain significance for Hereditary cancer-predisposing syndrome. Last evaluated: 2025-06-07. Review status: criteria provided, single submitter. Criteria: Ambry Variant Classification Scheme 2023. Collection method: clinical testing. Allele origin: germline.